The following is an entry in ClinVar:

NM_003737.4(DCHS1):c.7754T>A (p.Val2585Asp)

Gene: DCHS1 (dachsous cadherin-related 1; minus strand). Cytogenetic location: 11p15.4.
Variant type: single nucleotide variant.
Coding change: c.7754T>A on transcript NM_003737.4 (MANE Select); coding-DNA position 7754, T replaced by A.
Protein change: p.Val2585Asp; replaces valine 2585 with aspartic acid.
Molecular consequence: missense variant.
Genome position (GRCh38, 1-based): chr11:6,623,922, A>T on the plus strand (T>A on the coding strand, the complement: DCHS1 is on the minus strand). VCF-style: chr11-6623922-A-T. GRCh37 (hg19) VCF-style: chr11-6645153-A-T.
Other names: short protein forms V2585D.
Identifiers: ClinVar variation 2754720 (VCV002754720.3), dbSNP rs1448150604, ClinGen allele CA379482433.

ClinVar aggregate classification (germline): Uncertain significance (1 of 4 stars; one submission).

Submission:

Labcorp Genetics (formerly Invitae), Labcorp
Classification: Uncertain significance. Last evaluated: 2024-09-19. Review status: criteria provided, single submitter. Criteria: Invitae Variant Classification Sherloc (09022015). Collection method: clinical testing. Allele origin: germline.
Comment: This sequence change replaces valine, which is neutral and non-polar, with aspartic acid, which is acidic and polar, at codon 2585 of the DCHS1 protein (p.Val2585Asp). This variant is not present in population databases (gnomAD no frequency). This variant has not been reported in the literature in individuals affected with DCHS1-related conditions. Invitae Evidence Modeling of protein sequence and biophysical properties (such as structural, functional, and spatial information, amino acid conservation, physicochemical variation, residue mobility, and thermodynamic stability) indicates that this missense variant is not expected to disrupt DCHS1 protein function with a negative predictive value of 80%. In summary, the available evidence is currently insufficient to determine the role of this variant in disease. Therefore, it has been classified as a Variant of Uncertain Significance.